The following is an entry in ClinVar:

NM_000440.3(PDE6A):c.*2229C>T

Gene: PDE6A (phosphodiesterase 6A; minus strand). Cytogenetic location: 5q32.
Variant type: single nucleotide variant.
Coding change: c.*2229C>T on transcript NM_000440.3 (MANE Select); 2229 bases downstream of the stop codon, C replaced by T.
Molecular consequence: 3 prime UTR variant.
Genome position (GRCh38, 1-based): chr5:149,858,666, G>A on the plus strand (C>T on the coding strand, the complement: PDE6A is on the minus strand). VCF-style: chr5-149858666-G-A. GRCh37 (hg19) VCF-style: chr5-149238229-G-A.
Identifiers: ClinVar variation 351946 (VCV000351946.5), dbSNP rs115656079, ClinGen allele CA10620789.

ClinVar aggregate classification (germline): Likely benign (1 of 4 stars; one submission).

Conditions:
Retinitis pigmentosa (RP). Identifiers: Orphanet 791, MedGen C0035334, MeSH D012174, MONDO:0019200, OMIM 268000. Inheritance: Autosomal dominant, autosomal recessive and X linked inheritance.

Allele frequency attached by ClinVar (database versions not stated): gnomAD exomes 0.00962; gnomAD 0.01585 and 0.01705; 1000 Genomes Project 0.01657; 1000 Genomes Project 30x 0.01718; TOPMed 0.01736.

Submission:

Illumina Laboratory Services, Illumina
Classification: Likely benign for Retinitis pigmentosa. Last evaluated: 2018-01-12. Review status: criteria provided, single submitter. Criteria: ICSL Variant Classification Criteria 13 December 2019. Collection method: clinical testing. Allele origin: germline.
Comment: This variant was observed in the ICSL laboratory as part of a predisposition screen in an ostensibly healthy population. It had not been previously curated by ICSL or reported in the Human Gene Mutation Database (HGMD: prior to June 1st, 2018), and was therefore a candidate for classification through an automated scoring system. Utilizing variant allele frequency, disease prevalence and penetrance estimates, and inheritance mode, an automated score was calculated to assess if this variant is too frequent to cause the disease. Based on the score and internal cut-off values, a variant classified as likely benign is not then subjected to further curation. The score for this variant resulted in a classification of likely benign for this disease.